The following is an entry in ClinVar:

NM_012208.4(HARS2):c.1462-8T>C

Gene: HARS2 (histidyl-tRNA synthetase 2, mitochondrial; plus strand). Cytogenetic location: 5q31.3.
Variant type: single nucleotide variant.
Coding change: c.1462-8T>C on transcript NM_012208.4 (MANE Select); 8 bases into the intron before coding-DNA position 1462, T replaced by C.
Molecular consequence: intron variant.
Genome position (GRCh38, 1-based): chr5:140,698,485, T>C. VCF-style: chr5-140698485-T-C. GRCh37 (hg19) VCF-style: chr5-140078070-T-C.
Other names: c.1030-8T>C (NM_001278732.2); c.1480-8T>C (NM_001363535.2); c.1387-8T>C (NM_001278731.2); c.1252-8T>C (NM_001363536.2).
Identifiers: ClinVar variation 680872 (VCV000680872.1), dbSNP rs367684272, ClinGen allele CA3444731.

ClinVar aggregate classification (germline): Likely benign (1 of 4 stars; one submission).

Allele frequency attached by ClinVar (database versions not stated): ExAC 0.00001; gnomAD exomes 0.00001 and 0.00002; gnomAD 0.00004; TOPMed 0.00005; ESP Exome Variant Server 0.00008.
gnomAD v4.1: 35 of 1,598,478 alleles (0.0022%); highest among the groups gnomAD compares: East Asian, 0.013%; no homozygotes.

Submission:

GeneDx
Classification: Likely benign. Last evaluated: 2018-03-23. Review status: criteria provided, single submitter. Criteria: GeneDx Variant Classification (06012015). Collection method: clinical testing. Allele origin: germline. Affected: yes.
Comment: This variant is considered likely benign or benign based on one or more of the following criteria: it is a conservative change, it occurs at a poorly conserved position in the protein, it is predicted to be benign by multiple in silico algorithms, and/or has population frequency not consistent with disease.